The following is an entry in ClinVar:

ClinVar aggregate classification (germline): Uncertain significance (1 of 4 stars; one submission).

Conditions:
Dilated cardiomyopathy 1JJ (CMD1JJ). Identifiers: Orphanet 154, MedGen C3808935, MONDO:0014095, OMIM 615235.

gnomAD v4.1: 2 of 1,614,084 alleles (0.00012%); highest among the groups gnomAD compares: Non-Finnish European, 0.00017%; no homozygotes.

Submission:

Labcorp Genetics (formerly Invitae), Labcorp
Classification: Uncertain significance for Dilated cardiomyopathy 1JJ. Last evaluated: 2023-12-09. Review status: criteria provided, single submitter. Criteria: Invitae Variant Classification Sherloc (09022015). Collection method: clinical testing. Allele origin: germline.
Comment: This sequence change replaces asparagine, which is neutral and polar, with lysine, which is basic and polar, at codon 211 of the LAMA4 protein (p.Asn211Lys). This variant is not present in population databases (gnomAD no frequency). This variant has not been reported in the literature in individuals affected with LAMA4-related conditions. An algorithm developed to predict the effect of missense changes on protein structure and function (PolyPhen-2) suggests that this variant is likely to be disruptive. In summary, the available evidence is currently insufficient to determine the role of this variant in disease. Therefore, it has been classified as a Variant of Uncertain Significance.

NM_001105206.3(LAMA4):c.633T>A (p.Asn211Lys)

Gene: LAMA4 (laminin subunit alpha 4; minus strand). Cytogenetic location: 6q21.
Variant type: single nucleotide variant.
Coding change: c.633T>A on transcript NM_001105206.3 (MANE Select); coding-DNA position 633, T replaced by A.
Protein change: p.Asn211Lys; replaces asparagine 211 with lysine.
Molecular consequence: missense variant.
Genome position (GRCh38, 1-based): chr6:112,191,721, A>T on the plus strand (T>A on the coding strand, the complement: LAMA4 is on the minus strand). VCF-style: chr6-112191721-A-T. GRCh37 (hg19) VCF-style: chr6-112512923-A-T.
Other names: c.633T>A, p.Asn211Lys (NM_001105207.3, NM_002290.5); short protein forms N211K.
Identifiers: ClinVar variation 2701504 (VCV002701504.3), dbSNP rs782555068, ClinGen allele CA365378094.